The following is an entry in ClinVar:

ClinVar aggregate classification (germline): Uncertain significance (1 of 4 stars; one submission).

Allele frequency attached by ClinVar (database versions not stated): gnomAD exomes below 0.00001; TOPMed 0.00001.

Submission:

Labcorp Genetics (formerly Invitae), Labcorp
Classification: Uncertain significance. Last evaluated: 2023-12-17. Review status: criteria provided, single submitter. Criteria: Invitae Variant Classification Sherloc (09022015). Collection method: clinical testing. Allele origin: germline.
Comment: This sequence change replaces histidine, which is basic and polar, with arginine, which is basic and polar, at codon 344 of the LONP1 protein (p.His344Arg). This variant is present in population databases (no rsID available, gnomAD 0.007%). This variant has not been reported in the literature in individuals affected with LONP1-related conditions. Advanced modeling of protein sequence and biophysical properties (such as structural, functional, and spatial information, amino acid conservation, physicochemical variation, residue mobility, and thermodynamic stability) performed at Invitae indicates that this missense variant is not expected to disrupt LONP1 protein function with a negative predictive value of 80%. In summary, the available evidence is currently insufficient to determine the role of this variant in disease. Therefore, it has been classified as a Variant of Uncertain Significance.

NM_004793.4(LONP1):c.1031A>G (p.His344Arg)

Gene: LONP1 (lon peptidase 1, mitochondrial; minus strand). Cytogenetic location: 19p13.3.
Variant type: single nucleotide variant.
Coding change: c.1031A>G on transcript NM_004793.4 (MANE Select); coding-DNA position 1031, A replaced by G.
Protein change: p.His344Arg; replaces histidine 344 with arginine.
Molecular consequence: missense variant. On other transcripts: non-coding transcript variant (1).
Genome position (GRCh38, 1-based): chr19:5,707,728, T>C on the plus strand (A>G on the coding strand, the complement: LONP1 is on the minus strand). VCF-style: chr19-5707728-T-C. GRCh37 (hg19) VCF-style: chr19-5707739-T-C.
Other names: c.839A>G, p.His280Arg (NM_001276479.2); c.443A>G, p.His148Arg (NM_001276480.1); short protein forms H148R, H344R, H280R.
Identifiers: ClinVar variation 2778136 (VCV002778136.3), dbSNP rs988010789, ClinGen allele CA304632060.